The following is an entry in ClinVar:

ClinVar aggregate classification (germline): Uncertain significance. Review status: criteria provided, multiple submitters, no conflicts (2 of 4 stars). 3 submissions from 3 submitters: Uncertain significance (3). Last evaluated 2023-12-04.

Conditions:
Arrhythmogenic right ventricular dysplasia 5. Also called: Arrhythmogenic Right Ventricular Dysplasia/Cardiomyopathy 5; ARRHYTHMOGENIC RIGHT VENTRICULAR DYSPLASIA, FAMILIAL, 5. Identifiers: MedGen C1858379, MONDO:0011459, OMIM 604400.
Cardiovascular phenotype. Identifiers: MedGen CN230736.
Cardiomyopathy (CMYO). Also called: Cardiomyopathies. Identifiers: Orphanet 167848, MedGen C0878544, MONDO:0004994, HP:0001638. Inheritance: Various modes of inheritance.

Submissions (3):

Color Diagnostics, LLC DBA Color Health
Classification: Uncertain significance for Cardiomyopathy. Last evaluated: 2023-12-04. Review status: criteria provided, single submitter. Criteria: ACMG Guidelines, 2015. Collection method: clinical testing. Allele origin: germline.
Comment: Variant of Uncertain Significance due to insufficient evidence: This missense variant replaces tyrosine with serine at codon 48 of the TMEM43 protein. Computational prediction tools and conservation analyses are inconclusive regarding the impact of this variant on the protein function. Computational splicing tools suggest that this variant may not impact RNA splicing. To our knowledge, functional assays have not been performed for this variant nor has this variant been reported in individuals affected with cardiovascular disorders in the literature. This variant has not been identified in the general population by the Genome Aggregation Database (gnomAD). Available evidence is insufficient to determine the role of this variant in disease conclusively.

Labcorp Genetics (formerly Invitae), Labcorp
Classification: Uncertain significance for Arrhythmogenic right ventricular dysplasia 5. Last evaluated: 2023-10-25. Review status: criteria provided, single submitter. Criteria: Invitae Variant Classification Sherloc (09022015). Collection method: clinical testing. Allele origin: germline.
Comment: This sequence change replaces tyrosine, which is neutral and polar, with serine, which is neutral and polar, at codon 48 of the TMEM43 protein (p.Tyr48Ser). This variant is not present in population databases (gnomAD no frequency). This variant has not been reported in the literature in individuals affected with TMEM43-related conditions. ClinVar contains an entry for this variant (Variation ID: 518904). Advanced modeling of protein sequence and biophysical properties (such as structural, functional, and spatial information, amino acid conservation, physicochemical variation, residue mobility, and thermodynamic stability) performed at Invitae indicates that this missense variant is not expected to disrupt TMEM43 protein function with a negative predictive value of 80%. In summary, the available evidence is currently insufficient to determine the role of this variant in disease. Therefore, it has been classified as a Variant of Uncertain Significance.

Ambry Genetics
Classification: Uncertain significance for Cardiovascular phenotype. Last evaluated: 2016-02-23. Review status: criteria provided, single submitter. Criteria: Ambry Variant Classification Scheme 2023. Collection method: clinical testing. Allele origin: germline.
Comment: The p.Y48S variant (also known as c.143A>C), located in coding exon 2 of the TMEM43 gene, results from an A to C substitution at nucleotide position 143. The tyrosine at codon 48 is replaced by serine, an amino acid with dissimilar properties. This variant was not reported in population based cohorts in the following databases: Database of Single Nucleotide Polymorphisms (dbSNP), NHLBI Exome Sequencing Project (ESP), and 1000 Genomes Project. In the ESP, this variant was not observed in 6503 samples (13006 alleles) with coverage at this position. This amino acid position is highly conserved in available vertebrate species. In addition, the in silico prediction for this alteration is inconclusive. Since supporting evidence is limited at this time, the clinical significance of this alteration remains unclear.

NM_024334.3(TMEM43):c.143A>C (p.Tyr48Ser)

Gene: TMEM43 (transmembrane protein 43; plus strand). Cytogenetic location: 3p25.1.
Variant type: single nucleotide variant.
Coding change: c.143A>C on transcript NM_024334.3 (MANE Select); coding-DNA position 143, A replaced by C.
Protein change: p.Tyr48Ser; replaces tyrosine 48 with serine.
Molecular consequence: missense variant.
Genome position (GRCh38, 1-based): chr3:14,129,542, A>C. VCF-style: chr3-14129542-A-C. GRCh37 (hg19) VCF-style: chr3-14171042-A-C.
Other names: short protein forms Y48S.
Identifiers: ClinVar variation 518904 (VCV000518904.13), dbSNP rs1553602871, ClinGen allele CA351534426.
Genomic context (GRCh38, chr3:14,129,542, plus strand): 5'-GGCTGAGCGAGACCTCGGGTGGGATGTTTGTGGGGCTCATGGCCTTCCTGCTCTCCTTCT[A>C]CCTAATTTTCACCAATGAGGTAAAATGTCTGGGGTCTTCCTGTGCAGAGTGAGAGTCCCC-3'
Protein context (NP_077310.1, residues 38-58): VGLMAFLLSF[Tyr48Ser]LIFTNEGRAL